The following is an entry in ClinVar:

NM_006208.3(ENPP1):c.2236A>T (p.Asn746Tyr)

Gene: ENPP1 (ectonucleotide pyrophosphatase/phosphodiesterase 1; plus strand). Cytogenetic location: 6q23.2.
Variant type: single nucleotide variant.
Coding change: c.2236A>T on transcript NM_006208.3 (MANE Select); coding-DNA position 2236, A replaced by T.
Protein change: p.Asn746Tyr; replaces asparagine 746 with tyrosine.
Molecular consequence: missense variant.
Genome position (GRCh38, 1-based): chr6:131,883,699, A>T. VCF-style: chr6-131883699-A-T. GRCh37 (hg19) VCF-style: chr6-132204839-A-T.
Other names: short protein forms N746Y.
Identifiers: ClinVar variation 2963361 (VCV002963361.4), dbSNP rs144099489, ClinGen allele CA4002468.
Genomic context (GRCh38, chr6:131,883,699, plus strand): 5'-AATTTCCTATGTTATTTGTGAAGAATGAAAAAGTTGTCCTCTTTTCTCTTTGTAGAACTA[A>T]ATAAAAATTCAAGTGGAATATATTCTGAAGCTTTGCTTACTACAAATATAGTGCCAATGT-3'
Protein context (NP_006199.2, residues 736-756): SYGFLSPPQL[Asn746Tyr]KNSSGIYSEA

ClinVar aggregate classification (germline): Uncertain significance. Review status: criteria provided, multiple submitters, no conflicts (2 of 4 stars). 2 submissions from 2 submitters: Uncertain significance (2). Last evaluated 2024-06-20.

Conditions:
Hypopigmentation-punctate palmoplantar keratoderma syndrome. Also called: Cole disease; GUTTATE HYPOPIGMENTATION AND PUNCTATE PALMOPLANTAR KERATODERMA WITH OR WITHOUT ECTOPIC CALCIFICATION. Identifiers: Orphanet 324561, MedGen C3809781, MONDO:0014227, OMIM 615522.
Arterial calcification, generalized, of infancy, 1 (GACI1). Also called: Idiopathic Infantile Arterial Calcification. Identifiers: Orphanet 51608, MedGen C4551985, MONDO:0008817, OMIM 208000.
Hypophosphatemic rickets, autosomal recessive, 2 (ARHR2). Identifiers: Orphanet 289176, MedGen C2750078, MONDO:0013219, OMIM 613312.
Inherited obesity. Also called: Monogenic Obesity. Identifiers: Orphanet 77828, MedGen C4054476, MONDO:0019182, OMIM 601665.
Type 2 diabetes mellitus. Also called: Type II diabetes mellitus. Identifiers: MedGen C0011860, MeSH D003924, MONDO:0005148, OMIM 125853, HP:0005978.

gnomAD v4.1: 14 of 1,402,178 alleles (0.001%); highest among the groups gnomAD compares: African/African-American, 0.018%; no homozygotes.

Submissions (2):

Fulgent Genetics
Classification: Uncertain significance for Type 2 diabetes mellitus; Arterial calcification, generalized, of infancy, 1; Inherited obesity; Hypophosphatemic rickets, autosomal recessive, 2; Hypopigmentation-punctate palmoplantar keratoderma syndrome. Last evaluated: 2024-06-20. Review status: criteria provided, single submitter. Criteria: ACMG Guidelines, 2015. Collection method: clinical testing. Allele origin: germline.

Labcorp Genetics (formerly Invitae), Labcorp
Classification: Uncertain significance. Last evaluated: 2023-09-20. Review status: criteria provided, single submitter. Criteria: Invitae Variant Classification Sherloc (09022015). Collection method: clinical testing. Allele origin: germline.
Comment: In summary, the available evidence is currently insufficient to determine the role of this variant in disease. Therefore, it has been classified as a Variant of Uncertain Significance. Advanced modeling of protein sequence and biophysical properties (such as structural, functional, and spatial information, amino acid conservation, physicochemical variation, residue mobility, and thermodynamic stability) performed at Invitae indicates that this missense variant is not expected to disrupt ENPP1 protein function. This variant has not been reported in the literature in individuals affected with ENPP1-related conditions. This variant is present in population databases (rs144099489, gnomAD 0.01%). This sequence change replaces asparagine, which is neutral and polar, with tyrosine, which is neutral and polar, at codon 746 of the ENPP1 protein (p.Asn746Tyr).